The following is an entry in ClinVar:

ClinVar aggregate classification (germline): Likely pathogenic (1 of 4 stars; one submission).

Conditions:
Severe combined immunodeficiency disease. Also called: Severe Combined Immune Deficiency; Severe combined immunodeficiency. Identifiers: Orphanet 183660, MedGen C0085110, MeSH D016511, MONDO:0015974, HP:0004430. Inheritance: X-Linked or Autosomal recessive.

Submission:

Women's Health and Genetics/Laboratory Corporation of America, LabCorp
Classification: Likely pathogenic for Severe combined immunodeficiency disease. Last evaluated: 2022-03-29. Review status: criteria provided, single submitter. Criteria: LabCorp Variant Classification Summary - May 2015. Collection method: clinical testing. Allele origin: germline.
Comment: Variant summary: PTPRC c.100+1delG is located in a canonical splice-site and is predicted to affect mRNA splicing resulting in a significantly altered protein due to either exon skipping, shortening, or inclusion of intronic material. Several computational tools predict a significant impact on normal splicing: Three predict the variant abolishes the canonical 5' splicing donor site. Three predict the variant creates an alternate 5' splice donor site. However, these predictions have yet to be confirmed by functional studies. The variant was absent in 175500 control chromosomes. To our knowledge, no occurrence of c.100+1delG in individuals affected with Severe Combined Immunodeficiency and no experimental evidence demonstrating its impact on protein function have been reported. No clinical diagnostic laboratories have submitted clinical-significance assessments for this variant to ClinVar after 2014. Based on the evidence outlined above, the variant was classified as likely pathogenic.

NM_002838.5(PTPRC):c.100+1del

Gene: PTPRC (protein tyrosine phosphatase receptor type C; plus strand). Cytogenetic location: 1q31.3.
Variant type: Deletion.
Coding change: c.100+1del on transcript NM_002838.5 (MANE Select); the canonical splice donor site of the intron after coding-DNA position 100, one base deleted (G; older notation c.100+1delG).
Molecular consequence: splice donor variant. On other transcripts: frameshift variant (1), non-coding transcript variant (1).
Genome position (GRCh38, 1-based): chr1:198,692,374, G deleted; the last of 2 consecutive G bases (chr1:198,692,373-198,692,374); deleting either gives the same sequence. VCF-style (leftmost placement, unchanged base first): chr1-198692372-TG-T. GRCh37 (hg19) VCF-style: chr1-198661501-TG-T.
Other names: c.95delG, p.Gly32Valfs (NM_080923.2); c.100+1del (NM_080921.4, NM_001267798.2).
Identifiers: ClinVar variation 1677216 (VCV001677216.1), dbSNP rs1665977328, ClinGen allele CA422752567.
Genomic context (GRCh38, chr1:198,692,372, plus strand): 5'-AAATTTTCTAAGAGATTTTTGTTTCTTCTTTGCAGGGCAAAGCCCAACACCTTCCCCCAC[TG>T]GTAAGAATTAATATTTATATTTTTACTAATTTTATTTTCTTGTTGCAAAGTTTATATATT-3'